The following is an entry in ClinVar:

ClinVar aggregate classification (germline): Likely pathogenic (1 of 4 stars; one submission).

Conditions:
Schimke immuno-osseous dysplasia (SIOD). Also called: Schimke Immunoosseous Dysplasia. Identifiers: Orphanet 1830, MedGen C0877024, MONDO:0009458, OMIM 242900.

Submission:

Natera, Inc.
Classification: Likely pathogenic for Schimke immuno-osseous dysplasia. Last evaluated: 2024-02-22. Review status: criteria provided, single submitter. Criteria: Natera Variant Classification Schema (03/2026). Collection method: clinical testing. Allele origin: germline.
Comment: The c.1215delT variant in SMARCAL1 is a frameshift variant predicted to shift the reading frame beginning at codon 405 and leads to a stop codon 32 codons downstream. This variant is expected to result in nonsense mediated decay, truncation, or a dysfunctional protein product. This variant is rare in the general population with a frequency below the threshold expected for the associated phenotype(s). Given the available evidence, this variant is classified as Likely Pathogenic.

NM_014140.4(SMARCAL1):c.1215del (p.Phe405fs)

Gene: SMARCAL1 (SNF2 related chromatin remodeling annealing helicase 1; plus strand). Cytogenetic location: 2q35.
Variant type: Deletion.
Coding change: c.1215del on transcript NM_014140.4 (MANE Select); coding-DNA position 1215, one base deleted (T; older notation c.1215delT).
Protein change: p.Phe405fs; shifts the reading frame from phenylalanine 405.
Molecular consequence: frameshift variant.
Genome position (GRCh38, 1-based): chr2:216,428,663, T deleted; the last of 3 consecutive T bases (chr2:216,428,661-216,428,663); deleting any one gives the same sequence. VCF-style (leftmost placement, unchanged base first): chr2-216428660-GT-G. GRCh37 (hg19) VCF-style: chr2-217293383-GT-G.
Other names: c.1215del, p.Phe405fs (NM_001127207.2); short protein forms F405fs.
Identifiers: ClinVar variation 4815593 (VCV004815593.1).